The following is an entry in ClinVar:

ClinVar aggregate classification (germline): Likely benign (1 of 4 stars; one submission).

Allele frequency attached by ClinVar (database versions not stated): TOPMed 0.00001; gnomAD exomes 0.00001; gnomAD 0.00001.
gnomAD v4.1: 20 of 1,613,184 alleles (0.0012%); highest among the groups gnomAD compares: East Asian, 0.0089%; no homozygotes.

Submission:

Laboratory for Molecular Medicine, Mass General Brigham Personalized Medicine
Classification: Likely benign. Last evaluated: 2018-01-25. Review status: criteria provided, single submitter. Criteria: LMM Criteria. Collection method: clinical testing. Allele origin: germline. Observed: 1 variant allele.
Comment: p.Asn357Asn in exon 15 of TMC1: This variant is not expected to have clinical si gnificance because it does not alter an amino acid residue and is not located wi thin the splice consensus sequence. It has been identified in 2/33562 Latino chr omosomes by the Genome Aggregation Database (gnomAD). ACMG/AMP criteria applied: BP4, BP7.

NM_138691.3(TMC1):c.1071C>T (p.Asn357=)

Gene: TMC1 (transmembrane channel like 1; plus strand). Cytogenetic location: 9q21.13.
Variant type: single nucleotide variant.
Coding change: c.1071C>T on transcript NM_138691.3 (MANE Select); coding-DNA position 1071, C replaced by T.
Protein change: p.Asn357=; no amino-acid change (asparagine 357 retained).
Molecular consequence: synonymous variant.
Genome position (GRCh38, 1-based): chr9:72,789,164, C>T. VCF-style: chr9-72789164-C-T. GRCh37 (hg19) VCF-style: chr9-75404080-C-T.
Identifiers: ClinVar variation 506263 (VCV000506263.5), dbSNP rs1489881026, ClinGen allele CA465187030.
Genomic context (GRCh38, chr9:72,789,164, plus strand): 5'-TTTGTTTTCATGGATACAGGAAGCTATCACAGAAGAAAAAGCAGCCCAAGTAGAAGAAAA[C>T]GTCCACTTGATCAGATTCCTGAGGTTTCTGGCTAACTTCTTCGTGTTTCTAACACTTGGA-3'
Protein context (NP_619636.2, residues 347-367): TEEKAAQVEE[Asn357=]VHLIRFLRFL